The following is an entry in ClinVar:

NM_001267550.2(TTN):c.92624C>G (p.Ala30875Gly)

Genes: TTN (titin; minus strand), TTN-AS1 (TTN antisense RNA 1; plus strand). Cytogenetic location: 2q31.2.
Variant type: single nucleotide variant.
Coding change: c.92624C>G on transcript NM_001267550.2 (MANE Select); coding-DNA position 92624, C replaced by G.
Protein change: p.Ala30875Gly; replaces alanine 30875 with glycine.
Molecular consequence: missense variant.
Genome position (GRCh38, 1-based): chr2:178,549,002, G>C on the plus strand (C>G on the coding strand, the complement: TTN is on the minus strand). VCF-style: chr2-178549002-G-C. GRCh37 (hg19) VCF-style: chr2-179413729-G-C.
Other names: c.87701C>G, p.Ala29234Gly (NM_001256850.1); c.65429C>G, p.Ala21810Gly (NM_003319.4); c.84920C>G, p.Ala28307Gly (NM_133378.4); c.65804C>G, p.Ala21935Gly (NM_133432.3); c.66005C>G, p.Ala22002Gly (NM_133437.4); short protein forms A21810G, A21935G, A22002G, A28307G, A29234G, A30875G.
Identifiers: ClinVar variation 2437876 (VCV002437876.4), dbSNP rs1248087390, ClinGen allele CA349492319.
Genomic context (GRCh38, chr2:178,549,002, plus strand): 5'-CGGAATTTGTATTCTTCACCTGCTTGTAGATCAGTGACTGTATATCTTGTTTTCACACAT[G>C]CCTCTGCATTCACCTTGTGCCAGTCTCCTAAGTCGGCCTTACACATTTCAATAATATACC-3'
Protein context (NP_001254479.2, residues 30865-30885): LGDWHKVNAE[Ala30875Gly]CVKTRYTVTD

ClinVar aggregate classification (germline): Uncertain significance. Review status: criteria provided, multiple submitters, no conflicts (2 of 4 stars). 2 submissions from 2 submitters: Uncertain significance (2). Last evaluated 2026-04-21.

Allele frequency attached by ClinVar (database versions not stated): gnomAD 0.00001; gnomAD exomes 0.00004.
gnomAD v4.1: 52 of 1,613,766 alleles (0.0032%); highest among the groups gnomAD compares: Non-Finnish European, 0.0043%; no homozygotes.

Submissions (2):

Women's Health and Genetics/Laboratory Corporation of America, LabCorp
Classification: Uncertain significance. Last evaluated: 2026-04-21. Review status: criteria provided, single submitter. Criteria: LabCorp Variant Classification Summary - May 2015. Collection method: clinical testing. Allele origin: germline.
Comment: Variant summary: TTN c.84920C>G (p.Ala28307Gly) results in a non-conservative amino acid change located in the A-band region of the encoded protein sequence. Algorithms developed to predict the effect of missense changes on protein structure and function are either unavailable or do not agree on the potential impact of this missense change. The variant allele was found at a frequency of 3.2e-05 in 1606770 control chromosomes. This frequency is not significantly higher than estimated for disease-causing variants in TTN, allowing no conclusion about variant significance. c.84920C>G has been observed in one individual affected with hypertrophic cardiomyopathy (Lopes_2013). These report(s) do not provide unequivocal conclusions about association of the variant with Dilated Cardiomyopathy. To our knowledge, no experimental evidence demonstrating an impact on protein function has been reported. The following publication has been ascertained in the context of this evaluation (PMID: 23396983). ClinVar contains an entry for this variant (Variation ID: 2437876). Based on the evidence outlined above, the variant was classified as uncertain significance.

Revvity Omics, Revvity
Classification: Uncertain significance. Last evaluated: 2020-06-23. Review status: criteria provided, single submitter. Criteria: ACMG Guidelines, 2015. Collection method: clinical testing. Allele origin: germline.

Literature cited by the submitters: PubMed 23396983 (cited by Women's Health and Genetics/Laboratory Corporation of America, LabCorp).